The following is an entry in ClinVar:

NM_012082.4(ZFPM2):c.2173A>G (p.Lys725Glu)

Genes: ZFPM2 (zinc finger protein, FOG family member 2; plus strand), ZFPM2-AS1 (ZFPM2 antisense RNA 1; minus strand), LOC126860469 (BRD4-independent group 4 enhancer GRCh37_chr8:106814445-106815644; plus strand). Cytogenetic location: 8q23.1.
Variant type: single nucleotide variant.
Coding change: c.2173A>G on transcript NM_012082.4 (MANE Select); coding-DNA position 2173, A replaced by G.
Protein change: p.Lys725Glu; replaces lysine 725 with glutamic acid.
Molecular consequence: missense variant.
Genome position (GRCh38, 1-based): chr8:105,802,255, A>G. VCF-style: chr8-105802255-A-G. GRCh37 (hg19) VCF-style: chr8-106814483-A-G.
Other names: c.2014A>G, p.Lys672Glu (NM_001362836.2); c.1777A>G, p.Lys593Glu (NM_001362837.2); short protein forms K725E, K593E, K672E.
Identifiers: ClinVar variation 3984786 (VCV003984786.2).

ClinVar aggregate classification (germline): Uncertain significance. Review status: criteria provided, multiple submitters, no conflicts (2 of 4 stars). 2 submissions from 2 submitters: Uncertain significance (2). Last evaluated 2025-07-06.

Conditions:
Inborn genetic diseases. Identifiers: MedGen C0950123, MeSH D030342.
46,XY sex reversal 9 (SRXY9). Also called: 46,XY SEX REVERSAL, ZFPM2-RELATED. Identifiers: Orphanet 251510, MedGen C4015129, MONDO:0014480, OMIM 616067.

gnomAD v4.1: 15 of 1,613,788 alleles (0.00093%); highest among the groups gnomAD compares: Non-Finnish European, 0.0013%; no homozygotes.

Submissions (2):

Labcorp Genetics (formerly Invitae), Labcorp
Classification: Uncertain significance for 46,XY sex reversal 9. Last evaluated: 2025-07-06. Review status: criteria provided, single submitter. Criteria: Invitae Variant Classification Sherloc (09022015). Collection method: clinical testing. Allele origin: germline.
Comment: This sequence change replaces lysine, which is basic and polar, with glutamic acid, which is acidic and polar, at codon 725 of the ZFPM2 protein (p.Lys725Glu). This variant is present in population databases (rs764330036, gnomAD 0.004%). This variant has not been reported in the literature in individuals affected with ZFPM2-related conditions. An algorithm developed to predict the effect of missense changes on protein structure and function (PolyPhen-2) suggests that this variant is likely to be disruptive. In summary, the available evidence is currently insufficient to determine the role of this variant in disease. Therefore, it has been classified as a Variant of Uncertain Significance.

Ambry Genetics
Classification: Uncertain significance for Inborn genetic diseases. Last evaluated: 2025-03-27. Review status: criteria provided, single submitter. Criteria: Ambry Variant Classification Scheme 2023. Collection method: clinical testing. Allele origin: germline.